The following is an entry in ClinVar:

NM_002860.4(ALDH18A1):c.1468-2A>C

Gene: ALDH18A1 (aldehyde dehydrogenase 18 family member A1; minus strand). Cytogenetic location: 10q24.1.
Variant type: single nucleotide variant.
Coding change: c.1468-2A>C on transcript NM_002860.4 (MANE Select); the canonical splice acceptor site of the intron before coding-DNA position 1468, A replaced by C.
Molecular consequence: splice acceptor variant.
Genome position (GRCh38, 1-based): chr10:95,616,616, T>G on the plus strand (A>C on the coding strand, the complement: ALDH18A1 is on the minus strand). VCF-style: chr10-95616616-T-G. GRCh37 (hg19) VCF-style: chr10-97376373-T-G.
Other names: c.1135-2A>C (NM_001323412.2, NM_001323416.2); c.1363-2A>C (NM_001323417.2); c.1462-2A>C (NM_001017423.2, NM_001323415.2); c.1129-2A>C (NM_001323418.2); c.1468-2A>C (NM_001323413.2, NM_001323414.2); c.832-2A>C (NM_001323419.2).
Identifiers: ClinVar variation 2940641 (VCV002940641.3), dbSNP rs367578361, ClinGen allele CA5620298.
Genomic context (GRCh38, chr10:95,616,616, plus strand): 5'-GCCTCCTTCCCTCCTTTGAGTAACAAGCCATTGCCACTTGCGATAGCCAAAGCTGCCACC[T>G]GCAGATCAAAGGGAGAGCAGTGGATCAAAGGAGACAAACAGTAATAGCAACAGTGATGTT-3'

ClinVar aggregate classification (germline): Likely pathogenic (1 of 4 stars; one submission).

Conditions:
Cutis laxa, autosomal dominant 3 (ADCL3). Identifiers: Orphanet 90348, MedGen C4225268, MONDO:0014706, OMIM 616603.
Autosomal dominant spastic paraplegia type 9. Identifiers: MedGen C1832669, MONDO:0015091.
de Barsy syndrome. Also called: Cutis laxa-corneal clouding-oligophrenia syndrome. Identifiers: Orphanet 2962, MedGen C0268354, MONDO:0017569.

Allele frequency attached by ClinVar (database versions not stated): gnomAD exomes 0.00001; ExAC 0.00003; ESP Exome Variant Server 0.00008.

Submission:

Labcorp Genetics (formerly Invitae), Labcorp
Classification: Likely pathogenic for Autosomal dominant spastic paraplegia type 9; de Barsy syndrome; Cutis laxa, autosomal dominant 3. Last evaluated: 2023-03-20. Review status: criteria provided, single submitter. Criteria: Invitae Variant Classification Sherloc (09022015). Collection method: clinical testing. Allele origin: germline.
Comment: This sequence change affects an acceptor splice site in intron 12 of the ALDH18A1 gene. It is expected to disrupt RNA splicing. Variants that disrupt the donor or acceptor splice site typically lead to a loss of protein function (PMID: 16199547), and loss-of-function variants in ALDH18A1 are known to be pathogenic (PMID: 21739576, 24913064, 28567303, 28604674, 29915212). The frequency data for this variant in the population databases is considered unreliable, as metrics indicate poor data quality at this position in the gnomAD database. This variant has not been reported in the literature in individuals affected with ALDH18A1-related conditions. Algorithms developed to predict the effect of sequence changes on RNA splicing suggest that this variant may disrupt the consensus splice site. In summary, the currently available evidence indicates that the variant is pathogenic, but additional data are needed to prove that conclusively. Therefore, this variant has been classified as Likely Pathogenic.

Literature cited by the submitters: PubMed 16199547; PubMed 21739576; PubMed 24913064; PubMed 28567303; PubMed 28604674; PubMed 29915212.